The following is an entry in ClinVar:

ClinVar aggregate classification (germline): Uncertain significance (1 of 4 stars; one submission).

Conditions:
Neurofibromatosis, type 1 (NF1). Also called: VON RECKLINGHAUSEN DISEASE; NEUROFIBROMATOSIS, TYPE I, SOMATIC; Peripheral type neurofibromatosis; Neurofibromatosis, type I. Identifiers: Orphanet 636, MedGen C0027831, MONDO:0018975, OMIM 162200. Disease mechanism: loss of function.

Submission:

Labcorp Genetics (formerly Invitae), Labcorp
Classification: Uncertain significance for Neurofibromatosis, type 1. Last evaluated: 2018-01-22. Review status: criteria provided, single submitter. Criteria: Invitae Variant Classification Sherloc (09022015). Collection method: clinical testing. Allele origin: germline.
Comment: This variant has not been reported in the literature in individuals with NF1-related disease. This variant is not present in population databases (ExAC no frequency). This sequence change replaces arginine with proline at codon 1241 of the NF1 protein (p.Arg1241Pro). The arginine residue is moderately conserved and there is a moderate physicochemical difference between arginine and proline. In summary, the available evidence is currently insufficient to determine the role of this variant in disease. Therefore, it has been classified as a Variant of Uncertain Significance. Algorithms developed to predict the effect of missense changes on protein structure and function do not agree on the potential impact of this missense change (SIFT: "Deleterious"; PolyPhen-2: "Probably Damaging"; Align-GVGD: "Class C0").

NM_001042492.3(NF1):c.3722G>C (p.Arg1241Pro)

Gene: NF1 (neurofibromin 1; plus strand). Cytogenetic location: 17q11.2.
Variant type: single nucleotide variant.
Coding change: c.3722G>C on transcript NM_001042492.3 (MANE Select); coding-DNA position 3722, G replaced by C.
Protein change: p.Arg1241Pro; replaces arginine 1241 with proline.
Molecular consequence: missense variant.
Genome position (GRCh38, 1-based): chr17:31,235,624, G>C. VCF-style: chr17-31235624-G-C. GRCh37 (hg19) VCF-style: chr17-29562642-G-C.
Other names: c.3722G>C, p.Arg1241Pro (NM_000267.4); short protein forms R1241P.
Identifiers: ClinVar variation 568343 (VCV000568343.5), dbSNP rs543387071, ClinGen allele CA398992325.
Genomic context (GRCh38, chr17:31,235,624, plus strand): 5'-ATAAAAATGGGATTGTTTGCACTAACCTGATTTTGTTTTGTTCTCAGGATGAACTAGCTC[G>C]AGTTCTGGTTACTCTGTTTGATTCTCGGCATTTACTCTACCAACTGCTCTGGAACATGTT-3'
Protein context (NP_001035957.1, residues 1231-1251): VPCSQWDELA[Arg1241Pro]VLVTLFDSRH